The following is an entry in ClinVar:

NM_012200.4(B3GAT3):c.178C>G (p.Arg60Gly)

Gene: B3GAT3 (beta-1,3-glucuronyltransferase 3; minus strand). Cytogenetic location: 11q12.3.
Variant type: single nucleotide variant.
Coding change: c.178C>G on transcript NM_012200.4 (MANE Select); coding-DNA position 178, C replaced by G.
Protein change: p.Arg60Gly; replaces arginine 60 with glycine.
Molecular consequence: missense variant. On other transcripts: non-coding transcript variant (1).
Genome position (GRCh38, 1-based): chr11:62,620,576, G>C on the plus strand (C>G on the coding strand, the complement: B3GAT3 is on the minus strand). VCF-style: chr11-62620576-G-C. GRCh37 (hg19) VCF-style: chr11-62388048-G-C.
Other names: c.157C>G, p.Arg53Gly (NM_001288721.2); c.178C>G, p.Arg60Gly (NM_001288722.2, NM_001288723.2); short protein forms R60G, R53G.
Identifiers: ClinVar variation 2047202 (VCV002047202.1), dbSNP rs374687580, ClinGen allele CA6050189.

ClinVar aggregate classification (germline): Uncertain significance (1 of 4 stars; one submission).

Conditions:
Larsen-like syndrome, B3GAT3 type. Also called: Multiple joint dislocations, short stature, craniofacial dysmorphism, with or without congenital heart defects; MULTIPLE JOINT DISLOCATIONS, SHORT STATURE, AND CRANIOFACIAL DYSMORPHISM WITH OR WITHOUT CONGENITAL HEART DEFECTS. Identifiers: Orphanet 284139, MedGen CN034159, MONDO:0009511, OMIM 245600.

Allele frequency attached by ClinVar (database versions not stated): gnomAD 0.00001; ESP Exome Variant Server 0.00008.
gnomAD v4.1: 13 of 1,612,242 alleles (0.00081%); highest among the groups gnomAD compares: Non-Finnish European, 0.0011%; no homozygotes.

Submission:

Labcorp Genetics (formerly Invitae), Labcorp
Classification: Uncertain significance for Larsen-like syndrome, B3GAT3 type. Last evaluated: 2022-03-16. Review status: criteria provided, single submitter. Criteria: Invitae Variant Classification Sherloc (09022015). Collection method: clinical testing. Allele origin: germline.
Comment: This sequence change replaces arginine, which is basic and polar, with glycine, which is neutral and non-polar, at codon 60 of the B3GAT3 protein (p.Arg60Gly). This variant is present in population databases (rs374687580, gnomAD 0.004%). This variant has not been reported in the literature in individuals affected with B3GAT3-related conditions. Algorithms developed to predict the effect of missense changes on protein structure and function are either unavailable or do not agree on the potential impact of this missense change (SIFT: "Deleterious"; PolyPhen-2: "Benign"; Align-GVGD: "Class C0"). In summary, the available evidence is currently insufficient to determine the role of this variant in disease. Therefore, it has been classified as a Variant of Uncertain Significance.